The following is an entry in ClinVar:

ClinVar aggregate classification (germline): Uncertain significance (1 of 4 stars; one submission).

Conditions:
Familial cancer of breast. Also called: BREAST CANCER, FAMILIAL; Hereditary breast cancer; hereditary breast carcinoma. Identifiers: Orphanet 227535, MedGen C0346153, MONDO:0016419, OMIM 114480. Disease mechanism: loss of function.

Submission:

Labcorp Genetics (formerly Invitae), Labcorp
Classification: Uncertain significance for Familial cancer of breast. Last evaluated: 2021-08-17. Review status: criteria provided, single submitter. Criteria: Invitae Variant Classification Sherloc (09022015). Collection method: clinical testing. Allele origin: germline.
Comment: This variant is a gross deletion of the genomic region encompassing exon(s) 10 of the CHEK2 gene. This variant would be expected to be in-frame, preserving the integrity of the reading frame. This variant has not been reported in the literature in individuals affected with CHEK2-related conditions. Experimental studies and prediction algorithms are not available or were not evaluated, and the functional significance of this variant is currently unknown. In summary, the available evidence is currently insufficient to determine the role of this variant in disease. Therefore, it has been classified as a Variant of Uncertain Significance.

NC_000022.11:g.(?_28696891)_(28696997_?)del

Gene: CHEK2 (checkpoint kinase 2; minus strand). Cytogenetic location: 22q12.1.
Variant type: Deletion.
Identifiers: ClinVar variation 831195 (VCV000831195.7).